The following is an entry in ClinVar:

ClinVar aggregate classification (germline): Uncertain significance (1 of 4 stars; one submission).

Conditions:
Singleton-Merten syndrome 1 (SGMRT1). Also called: Widened medullary cavities of bone, aortic calcification, abnormal dentition, and muscular weakness; Syndrome of widened medullary cavities of the metacarpals and phalanges, aortic calcification and abnormal dentition. Identifiers: Orphanet 85191, MedGen C4225427, MONDO:0024535, OMIM 182250.
Aicardi-Goutieres syndrome 7 (AGS7). Identifiers: Orphanet 51, MedGen C3888244, MONDO:0014367, OMIM 615846.

Allele frequency attached by ClinVar (database versions not stated): TOPMed 0.00002; ExAC 0.00003; 1000 Genomes Project 0.00040; 1000 Genomes Project 30x 0.00047; gnomAD 0.00004.
gnomAD v4.1: 10 of 1,603,334 alleles (0.00062%); highest among the groups gnomAD compares: African/African-American, 0.0094%; no homozygotes.

Submission:

Labcorp Genetics (formerly Invitae), Labcorp
Classification: Uncertain significance for Aicardi-Goutieres syndrome 7; Singleton-Merten syndrome 1. Last evaluated: 2025-08-11. Review status: criteria provided, single submitter. Criteria: Invitae Variant Classification Sherloc (09022015). Collection method: clinical testing. Allele origin: germline.
Comment: This sequence change replaces tyrosine, which is neutral and polar, with cysteine, which is neutral and slightly polar, at codon 1015 of the IFIH1 protein (p.Tyr1015Cys). This variant is present in population databases (rs547782932, gnomAD 0.02%). This variant has not been reported in the literature in individuals affected with IFIH1-related conditions. ClinVar contains an entry for this variant (Variation ID: 2932349). An algorithm developed to predict the effect of missense changes on protein structure and function outputs the following: PolyPhen-2: "Possibly Damaging". The cysteine amino acid residue is found in multiple mammalian species, which suggests that this missense change does not adversely affect protein function. In summary, the available evidence is currently insufficient to determine the role of this variant in disease. Therefore, it has been classified as a Variant of Uncertain Significance.

NM_022168.4(IFIH1):c.3044A>G (p.Tyr1015Cys)

Gene: IFIH1 (interferon induced with helicase C domain 1; minus strand). Cytogenetic location: 2q24.2.
Variant type: single nucleotide variant.
Coding change: c.3044A>G on transcript NM_022168.4 (MANE Select); coding-DNA position 3044, A replaced by G.
Protein change: p.Tyr1015Cys; replaces tyrosine 1015 with cysteine.
Molecular consequence: missense variant.
Genome position (GRCh38, 1-based): chr2:162,267,234, T>C on the plus strand (A>G on the coding strand, the complement: IFIH1 is on the minus strand). VCF-style: chr2-162267234-T-C. GRCh37 (hg19) VCF-style: chr2-163123744-T-C.
Other names: short protein forms Y1015C.
Identifiers: ClinVar variation 2932349 (VCV002932349.3), dbSNP rs547782932, ClinGen allele CA1933995.